The following is an entry in ClinVar:

NM_000447.3(PSEN2):c.1005A>G (p.Ser335=)

Gene: PSEN2 (presenilin 2; plus strand). Cytogenetic location: 1q42.13.
Variant type: single nucleotide variant.
Coding change: c.1005A>G on transcript NM_000447.3 (MANE Select); coding-DNA position 1005, A replaced by G.
Protein change: p.Ser335=; no amino-acid change (serine 335 retained).
Molecular consequence: synonymous variant.
Genome position (GRCh38, 1-based): chr1:226,891,777, A>G. VCF-style: chr1-226891777-A-G. GRCh37 (hg19) VCF-style: chr1-227079478-A-G.
Other names: c.1005A>G (NM_000447.2); c.1002A>G, p.Ser334= (NM_012486.3).
Identifiers: ClinVar variation 1983760 (VCV001983760.5), dbSNP rs781365270, ClinGen allele CA1424760.
Genomic context (GRCh38, chr1:226,891,777, plus strand): 5'-GACATCTTCTCTTCCTGGACACCCAGAAGAAGACTCCTATGACAGTTTTGGGGAGCCTTC[A>G]TACCCCGAAGTCTTTGAGCCTCCCTTGACTGGCTACCCAGGGGAGGAGCTGGAGGAAGAG-3'
Protein context (NP_000438.2, residues 325-345): EDSYDSFGEP[Ser335=]YPEVFEPPLT

ClinVar aggregate classification (germline): Likely benign. Review status: criteria provided, multiple submitters, no conflicts (2 of 4 stars). 2 submissions from 2 submitters: Likely benign (2). Last evaluated 2026-04-15.

Conditions:
PSEN2-related disorder. Also called: PSEN2-related condition.
Alzheimer disease 4 (AD4). Identifiers: Orphanet 1020, MedGen C1847200, MONDO:0011743, OMIM 606889.

gnomAD v4.1: 58 of 1,614,026 alleles (0.0036%); highest among the groups gnomAD compares: Non-Finnish European, 0.0047%; no homozygotes.

Submissions (2):

PreventionGenetics, part of Exact Sciences
Classification: Likely benign for PSEN2-related condition. Last evaluated: 2026-04-15. Review status: criteria provided, single submitter. Criteria: ACMG Guidelines, 2015. Collection method: clinical testing. Allele origin: germline.
Comment: This variant is classified as likely benign based on ACMG/AMP sequence variant interpretation guidelines (Richards et al. 2015 PMID: 25741868, with internal and published modifications).

Labcorp Genetics (formerly Invitae), Labcorp
Classification: Likely benign for Alzheimer disease 4. Last evaluated: 2024-07-24. Review status: criteria provided, single submitter. Criteria: Invitae Variant Classification Sherloc (09022015). Collection method: clinical testing. Allele origin: germline.